The following is an entry in ClinVar:

NM_022124.6(CDH23):c.9403C>T (p.Pro3135Ser)

Gene: CDH23 (cadherin related 23; plus strand). Cytogenetic location: 10q22.1.
Variant type: single nucleotide variant.
Coding change: c.9403C>T on transcript NM_022124.6 (MANE Select); coding-DNA position 9403, C replaced by T.
Protein change: p.Pro3135Ser; replaces proline 3135 with serine.
Molecular consequence: missense variant.
Genome position (GRCh38, 1-based): chr10:71,812,502, C>T. VCF-style: chr10-71812502-C-T. GRCh37 (hg19) VCF-style: chr10-73572259-C-T.
Other names: c.2683C>T, p.Pro895Ser (NM_001171933.1, NM_001171934.1); c.94C>T, p.Pro32Ser (NM_001171935.1, NM_001171936.1); short protein forms P895S, P3135S, P32S.
Identifiers: ClinVar variation 1486370 (VCV001486370.4), dbSNP rs2133006770, ClinGen allele CA377136394.
Genomic context (GRCh38, chr10:71,812,502, plus strand): 5'-TTCCCTCCCTCCCCACCCTTTTCCCTCCCCAACTGCAGAGCCAACCCTGTGTGGCTGGAT[C>T]CCTTCTGTCGGAACCTGGAGCTGGCCGCCCAGGCGGAGCATGAGGATGACCTACCGGAGA-3'
Protein context (NP_071407.4, residues 3125-3145): FDGANPVWLD[Pro3135Ser]FCRNLELAAQ

ClinVar aggregate classification (germline): Uncertain significance (1 of 4 stars; one submission).

Allele frequency attached by ClinVar (database versions not stated): gnomAD exomes below 0.00001.
gnomAD v4.1: 1 of 1,378,712 alleles (0.000073%); highest among the groups gnomAD compares: Admixed American, 0.0019%; no homozygotes.

Submission:

Labcorp Genetics (formerly Invitae), Labcorp
Classification: Uncertain significance. Last evaluated: 2023-12-07. Review status: criteria provided, single submitter. Criteria: Invitae Variant Classification Sherloc (09022015). Collection method: clinical testing. Allele origin: germline.
Comment: This sequence change replaces proline, which is neutral and non-polar, with serine, which is neutral and polar, at codon 3135 of the CDH23 protein (p.Pro3135Ser). This variant is not present in population databases (gnomAD no frequency). This variant has not been reported in the literature in individuals affected with CDH23-related conditions. ClinVar contains an entry for this variant (Variation ID: 1486370). Advanced modeling of protein sequence and biophysical properties (such as structural, functional, and spatial information, amino acid conservation, physicochemical variation, residue mobility, and thermodynamic stability) performed at Invitae indicates that this missense variant is not expected to disrupt CDH23 protein function with a negative predictive value of 95%. In summary, the available evidence is currently insufficient to determine the role of this variant in disease. Therefore, it has been classified as a Variant of Uncertain Significance.